The following is an entry in ClinVar:

NM_003995.4(NPR2):c.635A>G (p.Gln212Arg)

Gene: NPR2 (natriuretic peptide receptor 2; plus strand). Cytogenetic location: 9p13.3.
Variant type: single nucleotide variant.
Coding change: c.635A>G on transcript NM_003995.4 (MANE Select); coding-DNA position 635, A replaced by G.
Protein change: p.Gln212Arg; replaces glutamine 212 with arginine.
Molecular consequence: missense variant.
Genome position (GRCh38, 1-based): chr9:35,793,043, A>G. VCF-style: chr9-35793043-A-G. GRCh37 (hg19) VCF-style: chr9-35793040-A-G.
Other names: c.635A>G, p.Gln212Arg (NM_001378923.1); short protein forms Q212R.
Identifiers: ClinVar variation 4790265 (VCV004790265.1).
Genomic context (GRCh38, chr9:35,793,043, plus strand): 5'-AGGGCAGCAACCTCAGTGTGCAGCACCAGGTGTATGCCCGAGAGCCAGGGGGCCCCGAGC[A>G]GGCCACCCACTTCATCCGGGCCAACGGGCGCAGTGAGTGTGGCCTGGGCTATTTTAGGGT-3'
Protein context (NP_003986.2, residues 202-222): VYAREPGGPE[Gln212Arg]ATHFIRANGR

ClinVar aggregate classification (germline): Uncertain significance (1 of 4 stars; one submission).

Conditions:
Acromesomelic dysplasia 1, Maroteaux type (AMD1). Also called: ST. HELENA DYSPLASIA; ACROMESOMELIC DYSPLASIA 1. Identifiers: Orphanet 40, MedGen C1864356, MONDO:0011275, OMIM 602875.
Tall stature-scoliosis-macrodactyly of the great toes syndrome. Also called: Epiphyseal chondrodysplasia, miura type. Identifiers: Orphanet 329191, MedGen C4014690, MONDO:0014401, OMIM 615923.

Submission:

Labcorp Genetics (formerly Invitae), Labcorp
Classification: Uncertain significance for Tall stature-scoliosis-macrodactyly of the great toes syndrome; Acromesomelic dysplasia 1, Maroteaux type. Last evaluated: 2025-11-27. Review status: criteria provided, single submitter. Criteria: Invitae Variant Classification Sherloc (09022015). Collection method: clinical testing. Allele origin: germline.
Comment: This sequence change replaces glutamine, which is neutral and polar, with arginine, which is basic and polar, at codon 212 of the NPR2 protein (p.Gln212Arg). The frequency data for this variant in the population databases is considered unreliable, as metrics indicate poor data quality at this position in the gnomAD database. This variant has not been reported in the literature in individuals affected with NPR2-related conditions. Invitae Evidence Modeling of protein sequence and biophysical properties (such as structural, functional, and spatial information, amino acid conservation, physicochemical variation, residue mobility, and thermodynamic stability) indicates that this missense variant is not expected to disrupt NPR2 protein function with a negative predictive value of 80%. In summary, the available evidence is currently insufficient to determine the role of this variant in disease. Therefore, it has been classified as a Variant of Uncertain Significance.